The following is an entry in ClinVar:

ClinVar aggregate classification (germline): Uncertain significance (1 of 4 stars; one submission).

Conditions:
Retinoblastoma (RB1). Also called: RETINOBLASTOMA, SOMATIC. Identifiers: Orphanet 790, MedGen C0035335, MeSH D012175, MONDO:0008380, OMIM 180200, HP:0009919. Disease mechanism: loss of function. Inheritance: Both sporadic and heritable forms are tested..

Submission:

Labcorp Genetics (formerly Invitae), Labcorp
Classification: Uncertain significance for Retinoblastoma. Last evaluated: 2022-10-03. Review status: criteria provided, single submitter. Criteria: Invitae Variant Classification Sherloc (09022015). Collection method: clinical testing. Allele origin: germline.
Comment: This variant is not present in population databases (gnomAD no frequency). In summary, the available evidence is currently insufficient to determine the role of this variant in disease. Therefore, it has been classified as a Variant of Uncertain Significance. Advanced modeling of protein sequence and biophysical properties (such as structural, functional, and spatial information, amino acid conservation, physicochemical variation, residue mobility, and thermodynamic stability) performed at Invitae indicates that this missense variant is not expected to disrupt RB1 protein function. This variant has not been reported in the literature in individuals affected with RB1-related conditions. This sequence change replaces glutamic acid, which is acidic and polar, with alanine, which is neutral and non-polar, at codon 166 of the RB1 protein (p.Glu166Ala).

NM_000321.3(RB1):c.497A>C (p.Glu166Ala)

Gene: RB1 (RB transcriptional corepressor 1; plus strand). Cytogenetic location: 13q14.2.
Variant type: single nucleotide variant.
Coding change: c.497A>C on transcript NM_000321.3 (MANE Select); coding-DNA position 497, A replaced by C.
Protein change: p.Glu166Ala; replaces glutamic acid 166 with alanine.
Molecular consequence: missense variant.
Genome position (GRCh38, 1-based): chr13:48,345,196, A>C. VCF-style: chr13-48345196-A-C. GRCh37 (hg19) VCF-style: chr13-48919332-A-C.
Other names: c.497A>C, p.Glu166Ala (NM_001407165.1, NM_001407166.1); short protein forms E166A.
Identifiers: ClinVar variation 1720864 (VCV001720864.5), dbSNP rs2542159581, ClinGen allele CA388252857.
Genomic context (GRCh38, chr13:48,345,196, plus strand): 5'-ATGCTATGTCAAGACTGTTGAAGAAGTATGATGTATTGTTTGCACTCTTCAGCAAATTGG[A>C]AAGGTAAAGTAAACATTTTATTAGGTTTACACTCTGATTTTTTATGTCATTGTTCACAAT-3'
Protein context (NP_000312.2, residues 156-176): DVLFALFSKL[Glu166Ala]RTCELIYLTQ